The following is an entry in ClinVar:

ClinVar aggregate classification (germline): Uncertain significance (1 of 4 stars; one submission).

Allele frequency attached by ClinVar (database versions not stated): gnomAD exomes below 0.00001 and 0.00001.
gnomAD v4.1: 1 of 1,208,480 alleles (0.000083%); highest among the groups gnomAD compares: Non-Finnish European, 0.00011%; no homozygotes.

Submission:

Labcorp Genetics (formerly Invitae), Labcorp
Classification: Uncertain significance. Last evaluated: 2022-09-19. Review status: criteria provided, single submitter. Criteria: Invitae Variant Classification Sherloc (09022015). Collection method: clinical testing. Allele origin: germline.
Comment: This sequence change replaces aspartic acid, which is acidic and polar, with asparagine, which is neutral and polar, at codon 847 of the COL4A5 protein (p.Asp847Asn). The frequency data for this variant in the population databases is considered unreliable, as metrics indicate poor data quality at this position in the gnomAD database. This variant has not been reported in the literature in individuals affected with COL4A5-related conditions. ClinVar contains an entry for this variant (Variation ID: 1361870). Advanced modeling of protein sequence and biophysical properties (such as structural, functional, and spatial information, amino acid conservation, physicochemical variation, residue mobility, and thermodynamic stability) performed at Invitae indicates that this missense variant is not expected to disrupt COL4A5 protein function. In summary, the available evidence is currently insufficient to determine the role of this variant in disease. Therefore, it has been classified as a Variant of Uncertain Significance.

NM_033380.3(COL4A5):c.2539G>A (p.Asp847Asn)

Gene: COL4A5 (collagen type IV alpha 5 chain; plus strand). Cytogenetic location: Xq22.3.
Variant type: single nucleotide variant.
Coding change: c.2539G>A on transcript NM_033380.3 (MANE Select); coding-DNA position 2539, G replaced by A.
Protein change: p.Asp847Asn; replaces aspartic acid 847 with asparagine.
Molecular consequence: missense variant.
Genome position (GRCh38, 1-based): chrX:108,620,288, G>A. VCF-style: chrX-108620288-G-A. GRCh37 (hg19) VCF-style: chrX-107863518-G-A.
Other names: c.2539G>A, p.Asp847Asn (NM_000495.5); short protein forms D847N.
Identifiers: ClinVar variation 1361870 (VCV001361870.5), dbSNP rs1244012104, ClinGen allele CA413851307.
Genomic context (GRCh38, chrX:108,620,288, plus strand): 5'-TACTTATTAATATTGATATTGTATTAACTAGGTTTACATGGAATACCAGGAGAGAAGGGG[G>A]ATCCAGGACCTCCTGGACTTGATGTTCCAGGACCCCCAGGTGAAAGAGGCAGTCCAGGGA-3'
Protein context (NP_203699.1, residues 837-857): GLHGIPGEKG[Asp847Asn]PGPPGLDVPG